The following is an entry in ClinVar:

NM_198334.3(GANAB):c.143+4T>C

Gene: GANAB (glucosidase II alpha subunit; minus strand). Cytogenetic location: 11q12.3.
Variant type: single nucleotide variant.
Coding change: c.143+4T>C on transcript NM_198334.3 (MANE Select); 4 bases into the intron after coding-DNA position 143, T replaced by C.
Molecular consequence: intron variant.
Genome position (GRCh38, 1-based): chr11:62,639,623, A>G on the plus strand (T>C on the coding strand, the complement: GANAB is on the minus strand). VCF-style: chr11-62639623-A-G. GRCh37 (hg19) VCF-style: chr11-62407095-A-G.
Other names: c.39-4623T>C (NM_001278193.2, NM_001278192.2); c.-149+8T>C (NM_001329223.2); c.-40+4T>C (NM_001278194.2); c.-634+4T>C (NM_001329225.2, NM_001329224.2); c.143+4T>C (NM_198335.4); c.-149+4T>C (NM_001329222.2).
Identifiers: ClinVar variation 2978503 (VCV002978503.4), dbSNP rs185058672, ClinGen allele CA6051217.

ClinVar aggregate classification (germline): Uncertain significance. Review status: criteria provided, multiple submitters, no conflicts (2 of 4 stars). 2 submissions from 2 submitters: Uncertain significance (2). Last evaluated 2025-01-02.

Allele frequency attached by ClinVar (database versions not stated): gnomAD exomes below 0.00001; ExAC 0.00001; TOPMed 0.00001; gnomAD 0.00002; ESP Exome Variant Server 0.00008; 1000 Genomes Project 30x 0.00016; 1000 Genomes Project 0.00020.

Submissions (2):

GeneDx
Classification: Uncertain significance. Last evaluated: 2025-01-02. Review status: criteria provided, single submitter. Criteria: GeneDx Variant Classification Process June 2021. Collection method: clinical testing. Allele origin: germline. Affected: yes.
Comment: In silico analysis indicates that this variant does not alter splicing; Has not been previously published as pathogenic or benign to our knowledge

Labcorp Genetics (formerly Invitae), Labcorp
Classification: Uncertain significance. Last evaluated: 2024-10-30. Review status: criteria provided, single submitter. Criteria: Invitae Variant Classification Sherloc (09022015). Collection method: clinical testing. Allele origin: germline.
Comment: This sequence change falls in intron 2 of the GANAB gene. It does not directly change the encoded amino acid sequence of the GANAB protein. It affects a nucleotide within the consensus splice site. This variant is present in population databases (rs185058672, gnomAD 0.007%). This variant has not been reported in the literature in individuals affected with GANAB-related conditions. ClinVar contains an entry for this variant (Variation ID: 2978503). Variants that disrupt the consensus splice site are a relatively common cause of aberrant splicing (PMID: 17576681, 9536098). Algorithms developed to predict the effect of sequence changes on RNA splicing suggest that this variant is not likely to affect RNA splicing. In summary, the available evidence is currently insufficient to determine the role of this variant in disease. Therefore, it has been classified as a Variant of Uncertain Significance.

Literature cited by the submitters: PubMed 17576681 (cited by Labcorp Genetics (formerly Invitae), Labcorp); PubMed 9536098 (cited by Labcorp Genetics (formerly Invitae), Labcorp).